The following is an entry in ClinVar:

ClinVar aggregate classification (germline): Likely benign (1 of 4 stars; one submission).

Allele frequency attached by ClinVar (database versions not stated): gnomAD exomes 0.00001; TOPMed 0.00003; gnomAD 0.00004.
gnomAD v4.1: 17 of 1,613,798 alleles (0.0011%); highest among the groups gnomAD compares: African/African-American, 0.013%; no homozygotes.

Submission:

CeGaT Center for Human Genetics Tuebingen
Classification: Likely benign. Last evaluated: 2022-07-01. Review status: criteria provided, single submitter. Criteria: CeGaT Center For Human Genetics Tuebingen Variant Classification Criteria Version 2. Collection method: clinical testing. Allele origin: germline. Affected: yes. Observed: 1 variant allele.
Comment: HEATR5B: BP4, BP7

NM_019024.3(HEATR5B):c.1650G>A (p.Gln550=)

Gene: HEATR5B (HEAT repeat containing 5B; minus strand). Cytogenetic location: 2p22.2.
Variant type: single nucleotide variant.
Coding change: c.1650G>A on transcript NM_019024.3 (MANE Select); coding-DNA position 1650, G replaced by A.
Protein change: p.Gln550=; no amino-acid change (glutamine 550 retained).
Molecular consequence: synonymous variant.
Genome position (GRCh38, 1-based): chr2:37,061,985, C>T on the plus strand (G>A on the coding strand, the complement: HEATR5B is on the minus strand). VCF-style: chr2-37061985-C-T. GRCh37 (hg19) VCF-style: chr2-37289128-C-T.
Identifiers: ClinVar variation 2650830 (VCV002650830.24), dbSNP rs1238592643, ClinGen allele CA425667139.